The following is an entry in ClinVar:

ClinVar aggregate classification (germline): Likely benign. Review status: criteria provided, single submitter (1 of 4 stars). 2 submissions from 2 submitters: Likely benign (1). 1 of the submissions does not count toward it. Last evaluated 2022-11-06.

Conditions:
Angelman syndrome (AS). Also called: HAPPY PUPPET SYNDROME. Identifiers: Orphanet 72, MedGen C0162635, MONDO:0007113, OMIM 105830. Disease mechanism: loss of function. Inheritance: AS is caused by disruption of maternally imprinted UBE3A located within the 15q11.2-q13 Angelman syndrome/Prader-Willi syndrome (AS/PWS) region., imprinting disorder.

Allele frequency attached by ClinVar (database versions not stated): gnomAD exomes below 0.00001; TOPMed 0.00001.
gnomAD v4.1: 2 of 1,613,750 alleles (0.00012%); highest among the groups gnomAD compares: Non-Finnish European, 0.00017%; no homozygotes.

Submissions (2):

Labcorp Genetics (formerly Invitae), Labcorp
Classification: Likely benign for Angelman syndrome. Last evaluated: 2022-11-06. Review status: criteria provided, single submitter. Criteria: Invitae Variant Classification Sherloc (09022015). Collection method: clinical testing. Allele origin: germline.

Baylor Genetics
Classification: Uncertain significance for Angelman syndrome. Last evaluated: 2014-02-14. Review status: no assertion criteria provided. Collection method: clinical testing. Allele origin: maternal. Affected: yes. Observed: 2 variant alleles. Study: UBE3A Mutation Study. Not counted in ClinVar's aggregate classification.
Comment: possible diagnosis of Angelman syndrome

Data collected from clinical UBE3A sequence analysis results

Literature cited by the submitters: PubMed 25212744 (cited by Baylor Genetics).

NM_130839.5(UBE3A):c.62+20G>A

Genes: SNHG14 (small nucleolar RNA host gene 14; plus strand), UBE3A (ubiquitin protein ligase E3A; minus strand). Cytogenetic location: 15q11.2.
Variant type: single nucleotide variant.
Coding change: c.62+20G>A on transcript NM_130839.5 (MANE Select); 20 bases into the intron after coding-DNA position 62, G replaced by A.
Molecular consequence: intron variant.
Genome position (GRCh38, 1-based): chr15:25,405,441, C>T on the plus strand (G>A on the coding strand, the complement: UBE3A is on the minus strand). VCF-style: chr15-25405441-C-T. GRCh37 (hg19) VCF-style: chr15-25650588-C-T.
Other names: c.-115-29678G>A (NM_001354546.2); c.2+20G>A (NM_001354551.2, NM_001354549.2, NM_001354548.2 and 17 more transcripts); c.62+20G>A (NM_001354550.2, NM_001354545.2, NM_001354538.2 and 1 more transcripts); c.-112+20G>A (NM_001354523.2); c.71+20G>A (NM_000462.5).
Identifiers: ClinVar variation 156119 (VCV000156119.4), dbSNP rs587782906, ClinGen allele CA333405.